The following is an entry in ClinVar:

NM_015272.5(RPGRIP1L):c.2093T>G (p.Leu698Ter)

Gene: RPGRIP1L (RPGRIP1 like; minus strand). Cytogenetic location: 16q12.2.
Variant type: single nucleotide variant.
Coding change: c.2093T>G on transcript NM_015272.5 (MANE Select); coding-DNA position 2093, T replaced by G.
Protein change: p.Leu698Ter; replaces leucine 698 with a stop codon.
Molecular consequence: nonsense.
Genome position (GRCh38, 1-based): chr16:53,652,594, A>C on the plus strand (T>G on the coding strand, the complement: RPGRIP1L is on the minus strand). VCF-style: chr16-53652594-A-C. GRCh37 (hg19) VCF-style: chr16-53686506-A-C.
Other names: c.2093T>G, p.Leu698Ter (NM_001127897.4, NM_001308334.3, NM_001330538.2); short protein forms L698*.
Identifiers: ClinVar variation 1072712 (VCV001072712.10), dbSNP rs201081228, ClinGen allele CA8057642.

ClinVar aggregate classification (germline): Pathogenic/Likely pathogenic. Review status: criteria provided, multiple submitters, no conflicts (2 of 4 stars). 3 submissions from 3 submitters: Pathogenic (1); Likely pathogenic (2). Last evaluated 2024-09-05.

Conditions:
Joubert syndrome. Also called: JOUBERT-BOLTSHAUSER SYNDROME; Familial aplasia of the vermis. Identifiers: Orphanet 475, MedGen C5979921, MONDO:0018772.
Meckel-Gruber syndrome. Also called: DYSENCEPHALIA SPLANCHNOCYSTICA; GRUBER SYNDROME; Dysencephalia splachnocystica. Identifiers: Orphanet 564, MedGen C0265215, MONDO:0018921.
Joubert syndrome 7 (JBTS7). Identifiers: Orphanet 220497, MedGen C1969053, MONDO:0012694, OMIM 611560.
COACH syndrome 3. Identifiers: MedGen C5436841, MONDO:0030862, OMIM 619113.
Meckel syndrome, type 5 (MKS5). Identifiers: Orphanet 564, MedGen C1969052, MONDO:0012695, OMIM 611561.
RPGRIP1L-related disorder. Also called: RPGRIP1L-related condition; RPGRIP1L-related disorders. Identifiers: MedGen CN239416.

Allele frequency attached by ClinVar (database versions not stated): TOPMed below 0.00001; gnomAD exomes 0.00001; ExAC 0.00002; ESP Exome Variant Server 0.00008.
gnomAD v4.1: 3 of 1,614,150 alleles (0.00019%); highest among the groups gnomAD compares: Non-Finnish European, 0.00025%; no homozygotes.

Submissions (3):

Blueprint Genetics
Classification: Likely pathogenic for RPGRIP1L-related disorders. Last evaluated: 2024-09-05. Review status: criteria provided, single submitter. Criteria: ACMG Guidelines, 2015. Collection method: clinical testing. Allele origin: germline. Affected: yes. Observed: 2 variant alleles.

Fulgent Genetics
Classification: Likely pathogenic for Joubert syndrome 7; Meckel syndrome, type 5; COACH syndrome 3. Last evaluated: 2024-03-27. Review status: criteria provided, single submitter. Criteria: ACMG Guidelines, 2015. Collection method: clinical testing. Allele origin: germline.

Labcorp Genetics (formerly Invitae), Labcorp
Classification: Pathogenic for Joubert syndrome; Meckel-Gruber syndrome. Last evaluated: 2023-09-03. Review status: criteria provided, single submitter. Criteria: Invitae Variant Classification Sherloc (09022015). Collection method: clinical testing. Allele origin: germline.
Comment: This variant has not been reported in the literature in individuals affected with RPGRIP1L-related conditions. For these reasons, this variant has been classified as Pathogenic. ClinVar contains an entry for this variant (Variation ID: 1072712). This variant is present in population databases (rs201081228, gnomAD 0.002%). This sequence change creates a premature translational stop signal (p.Leu698*) in the RPGRIP1L gene. It is expected to result in an absent or disrupted protein product. Loss-of-function variants in RPGRIP1L are known to be pathogenic (PMID: 17558409).

Literature cited by the submitters: PubMed 17558409 (cited by Labcorp Genetics (formerly Invitae), Labcorp).